The following is an entry in ClinVar:

ClinVar aggregate classification (germline): Conflicting classifications of pathogenicity. Review status: criteria provided, conflicting classifications (1 of 4 stars). 2 submissions from 2 submitters: Pathogenic (1); Uncertain significance (1). Last evaluated 2025-09-07.

Conditions:
Mowat-Wilson syndrome (MOWS). Also called: Classic Mowat-Wilson Syndrome. Identifiers: Orphanet 2152, MedGen C1856113, MONDO:0009341, OMIM 235730.

Submissions (2):

Labcorp Genetics (formerly Invitae), Labcorp
Classification: Pathogenic for Mowat-Wilson syndrome. Last evaluated: 2025-09-07. Review status: criteria provided, single submitter. Criteria: Invitae Variant Classification Sherloc (09022015). Collection method: clinical testing. Allele origin: germline.
Comment: This sequence change replaces glutamic acid, which is acidic and polar, with lysine, which is basic and polar, at codon 1044 of the ZEB2 protein (p.Glu1044Lys). This variant is not present in population databases (gnomAD no frequency). This missense change has been observed in individual(s) with clinical features of Mowat-Wilson syndrome (internal data). In at least one individual the variant was observed to be de novo. ClinVar contains an entry for this variant (Variation ID: 181745). Invitae Evidence Modeling of protein sequence and biophysical properties (such as structural, functional, and spatial information, amino acid conservation, physicochemical variation, residue mobility, and thermodynamic stability) indicates that this missense variant is expected to disrupt ZEB2 protein function with a positive predictive value of 80%. For these reasons, this variant has been classified as Pathogenic.

GeneDx
Classification: Uncertain significance. Last evaluated: 2021-09-13. Review status: criteria provided, single submitter. Criteria: GeneDx Variant Classification Process June 2021. Collection method: clinical testing. Allele origin: germline. Affected: yes.
Comment: Not observed at significant frequency in large population cohorts (Lek et al., 2016); In silico analysis supports that this missense variant has a deleterious effect on protein structure/function; Has not been previously published as pathogenic or benign to our knowledge

NM_014795.4(ZEB2):c.3130G>A (p.Glu1044Lys)

Gene: ZEB2 (zinc finger E-box binding homeobox 2; minus strand). Cytogenetic location: 2q22.3.
Variant type: single nucleotide variant.
Coding change: c.3130G>A on transcript NM_014795.4 (MANE Select); coding-DNA position 3130, G replaced by A.
Protein change: p.Glu1044Lys; replaces glutamic acid 1044 with lysine.
Molecular consequence: missense variant.
Genome position (GRCh38, 1-based): chr2:144,389,966, C>T on the plus strand (G>A on the coding strand, the complement: ZEB2 is on the minus strand). VCF-style: chr2-144389966-C-T. GRCh37 (hg19) VCF-style: chr2-145147533-C-T.
Other names: p.E1044K:GAG>AAG; c.3058G>A, p.Glu1020Lys (NM_001171653.2); short protein forms E1044K, E1020K.
Identifiers: ClinVar variation 181745 (VCV000181745.5), dbSNP rs730881202, ClinGen allele CA297617.